The following is an entry in ClinVar:

ClinVar aggregate classification (germline): Uncertain significance (1 of 4 stars; one submission).

Conditions:
Heterotopia, periventricular, X-linked dominant (PVNH1). Also called: PERIVENTRICULAR NODULAR HETEROTOPIA 1; X-linked periventricular heterotopia; PERIVENTRICULAR NODULAR HETEROTOPIA 4; HETEROTOPIA, PERIVENTRICULAR, 1. Identifiers: Orphanet 2149, Orphanet 82004, MedGen C1848213, MONDO:0010233, OMIM 300049.
Melnick-Needles syndrome (MNS). Also called: Melnick-Needles Syndrome (FLNA-MNS); MELNICK-NEEDLES OSTEODYSPLASTY; OSTEODYSPLASTY OF MELNICK AND NEEDLES. Identifiers: Orphanet 2484, MedGen C0025237, MONDO:0010650, OMIM 309350.
Frontometaphyseal dysplasia (FMD1). Identifiers: Orphanet 1826, MedGen C0265293, MONDO:0015942.
Oto-palato-digital syndrome, type II (OPD2). Also called: Otopalatodigital Syndrome Type 2 (FLNA-OPD2); FACIOPALATOOSSEOUS SYNDROME; OPD II SYNDROME; Otopalatodigital Syndrome, Type II. Identifiers: Orphanet 669, Orphanet 90652, MedGen C1844696, MONDO:0010571, OMIM 304120.

Submission:

Labcorp Genetics (formerly Invitae), Labcorp
Classification: Uncertain significance for Oto-palato-digital syndrome, type II; Heterotopia, periventricular, X-linked dominant; Frontometaphyseal dysplasia; Melnick-Needles syndrome. Last evaluated: 2023-08-11. Review status: criteria provided, single submitter. Criteria: Invitae Variant Classification Sherloc (09022015). Collection method: clinical testing. Allele origin: germline.
Comment: In summary, the available evidence is currently insufficient to determine the role of this variant in disease. Therefore, it has been classified as a Variant of Uncertain Significance. Advanced modeling of protein sequence and biophysical properties (such as structural, functional, and spatial information, amino acid conservation, physicochemical variation, residue mobility, and thermodynamic stability) performed at Invitae indicates that this missense variant is not expected to disrupt FLNA protein function. This variant has not been reported in the literature in individuals affected with FLNA-related conditions. This variant is not present in population databases (gnomAD no frequency). This sequence change replaces valine, which is neutral and non-polar, with leucine, which is neutral and non-polar, at codon 752 of the FLNA protein (p.Val752Leu).

NM_001110556.2(FLNA):c.2254G>C (p.Val752Leu)

Gene: FLNA (filamin A; minus strand). Cytogenetic location: Xq28.
Variant type: single nucleotide variant.
Coding change: c.2254G>C on transcript NM_001110556.2 (MANE Select); coding-DNA position 2254, G replaced by C.
Protein change: p.Val752Leu; replaces valine 752 with leucine.
Molecular consequence: missense variant.
Genome position (GRCh38, 1-based): chrX:154,364,048, C>G on the plus strand (G>C on the coding strand, the complement: FLNA is on the minus strand). VCF-style: chrX-154364048-C-G. GRCh37 (hg19) VCF-style: chrX-153592416-C-G.
Other names: c.2254G>C, p.Val752Leu (NM_001456.4); short protein forms V752L.
Identifiers: ClinVar variation 2950922 (VCV002950922.3), dbSNP rs1297013254, ClinGen allele CA415237671.